The following is an entry in ClinVar:

ClinVar aggregate classification (germline): Uncertain significance. Review status: criteria provided, multiple submitters, no conflicts (2 of 4 stars). 3 submissions from 3 submitters: Uncertain significance (2). 1 of the submissions does not count toward it. Last evaluated 2026-05-15.

Conditions:
Cystic fibrosis (CF). Also called: MUCOVISCIDOSIS. Identifiers: Orphanet 586, MedGen C0010674, MONDO:0009061, OMIM 219700. Disease mechanism: loss of function.

Allele frequency attached by ClinVar (database versions not stated): ExAC 0.00001; gnomAD exomes 0.00001; TOPMed 0.00001.
gnomAD v4.1: 2 of 1,599,738 alleles (0.00013%); highest among the groups gnomAD compares: Admixed American, 0.0033%; no homozygotes.

Submissions (3):

Ambry Genetics
Classification: Uncertain significance for Cystic fibrosis. Last evaluated: 2026-05-15. Review status: criteria provided, single submitter. Criteria: Ambry Variant Classification Scheme 2023. Collection method: clinical testing. Allele origin: germline.
Comment: The p.L172I variant (also known as c.514C>A), located in coding exon 5 of the CFTR gene, results from a C to A substitution at nucleotide position 514. The leucine at codon 172 is replaced by isoleucine, an amino acid with highly similar properties. This amino acid position is highly conserved in available vertebrate species. In addition, the in silico prediction for this alteration is inconclusive. Based on the available evidence, the clinical significance of this variant remains unclear.

ARUP Laboratories, Molecular Genetics and Genomics, ARUP Laboratories
Classification: Uncertain significance. Last evaluated: 2018-07-27. Review status: criteria provided, single submitter. Criteria: ARUP Molecular Germline Variant Investigation Process. Collection method: clinical testing. Allele origin: germline.
Comment: The CFTR c.514C>A; p.Leu172Ile variant (rs769606990), to our knowledge, is not reported in the medical literature or gene specific databases. This variant is found in the Latino population with an overall allele frequency of 0.009% (3/33526 alleles) in the Genome Aggregation Database. The leucine at codon 172 is highly conserved but computational analyses (SIFT: tolerated, PolyPhen-2: damaging) predict conflicting effects of this variant on protein structure/function. Due to limited information, the clinical significance of the p.Leu172Ile variant is uncertain at this time.

Natera, Inc.
Classification: Uncertain significance for Cystic Fibrosis. Last evaluated: 2020-09-16. Review status: no assertion criteria provided. Collection method: clinical testing. Allele origin: germline. Not counted in ClinVar's aggregate classification.

NM_000492.4(CFTR):c.514C>A (p.Leu172Ile)

Gene: CFTR (CF transmembrane conductance regulator; plus strand). Cytogenetic location: 7q31.2.
Variant type: single nucleotide variant.
Coding change: c.514C>A on transcript NM_000492.4 (MANE Select); coding-DNA position 514, C replaced by A.
Protein change: p.Leu172Ile; replaces leucine 172 with isoleucine.
Molecular consequence: missense variant.
Genome position (GRCh38, 1-based): chr7:117,534,300, C>A. VCF-style: chr7-117534300-C-A. GRCh37 (hg19) VCF-style: chr7-117174354-C-A.
Other names: short protein forms L172I.
Identifiers: ClinVar variation 811725 (VCV000811725.10), dbSNP rs769606990, ClinGen allele CA4450750.